The following is an entry in ClinVar:

ClinVar aggregate classification (germline): Uncertain significance. Review status: criteria provided, multiple submitters, no conflicts (2 of 4 stars). 3 submissions from 3 submitters: Uncertain significance (3). Last evaluated 2025-09-16.

Conditions:
Emery-Dreifuss muscular dystrophy 4, autosomal dominant (EDMD4). Also called: EMERY-DREIFUSS MUSCULAR DYSTROPHY 4 WITH VARIABLE FEATURES. Identifiers: Orphanet 261, MedGen C2751807, MONDO:0013071, OMIM 612998.
Autosomal recessive ataxia, Beauce type. Also called: Spinocerebellar ataxia, autosomal recessive 8; ATAXIA, RECESSIVE, OF BEAUCE; SYNE1-Related Autosomal Recessive Cerebellar Ataxia; SYNE1 Deficiency. Identifiers: Orphanet 88644, MedGen C1853116, MONDO:0012549, OMIM 610743.

Allele frequency attached by ClinVar (database versions not stated): gnomAD exomes below 0.00001 and 0.00002; TOPMed 0.00001; gnomAD 0.00002.
gnomAD v4.1: 27 of 1,613,790 alleles (0.0017%); highest among the groups gnomAD compares: Non-Finnish European, 0.0023%; no homozygotes.

Submissions (3):

Women's Health and Genetics/Laboratory Corporation of America, LabCorp
Classification: Uncertain significance. Last evaluated: 2025-09-16. Review status: criteria provided, single submitter. Criteria: LabCorp Variant Classification Summary - May 2015. Collection method: clinical testing. Allele origin: germline.
Comment: Variant summary: SYNE1 c.21298G>A (p.Asp7100Asn) results in a conservative amino acid change in the encoded protein sequence. Algorithms developed to predict the effect of missense changes on protein structure and function are either unavailable or do not agree on the potential impact of this missense change. The variant allele was found at a frequency of 4e-06 in 251210 control chromosomes. The available data on variant occurrences in the general population are insufficient to allow any conclusion about variant significance. To our knowledge, no occurrence of c.21298G>A in individuals affected with SYNE1-related conditions and no experimental evidence demonstrating its impact on protein function have been reported. ClinVar contains an entry for this variant (Variation ID: 662641). Based on the evidence outlined above, the variant was classified as uncertain significance.

Revvity Omics, Revvity
Classification: Uncertain significance. Last evaluated: 2024-02-07. Review status: criteria provided, single submitter. Criteria: ACMG Guidelines, 2015. Collection method: clinical testing. Allele origin: germline.

Labcorp Genetics (formerly Invitae), Labcorp
Classification: Uncertain significance for Emery-Dreifuss muscular dystrophy 4, autosomal dominant; Autosomal recessive ataxia, Beauce type. Last evaluated: 2022-08-15. Review status: criteria provided, single submitter. Criteria: Invitae Variant Classification Sherloc (09022015). Collection method: clinical testing. Allele origin: germline.
Comment: Algorithms developed to predict the effect of missense changes on protein structure and function are either unavailable or do not agree on the potential impact of this missense change (SIFT: "Deleterious"; PolyPhen-2: "Benign"; Align-GVGD: "Class C0"). ClinVar contains an entry for this variant (Variation ID: 662641). This variant has not been reported in the literature in individuals affected with SYNE1-related conditions. This variant is present in population databases (no rsID available, gnomAD 0.002%). This sequence change replaces aspartic acid, which is acidic and polar, with asparagine, which is neutral and polar, at codon 7100 of the SYNE1 protein (p.Asp7100Asn). Algorithms developed to predict the effect of sequence changes on RNA splicing suggest that this variant may create or strengthen a splice site. In summary, the available evidence is currently insufficient to determine the role of this variant in disease. Therefore, it has been classified as a Variant of Uncertain Significance.

NM_182961.4(SYNE1):c.21511G>A (p.Asp7171Asn)

Gene: SYNE1 (spectrin repeat containing nuclear envelope protein 1; minus strand). Cytogenetic location: 6q25.2.
Variant type: single nucleotide variant.
Coding change: c.21511G>A on transcript NM_182961.4 (MANE Select); coding-DNA position 21511, G replaced by A.
Protein change: p.Asp7171Asn; replaces aspartic acid 7171 with asparagine.
Molecular consequence: missense variant.
Genome position (GRCh38, 1-based): chr6:152,224,505, C>T on the plus strand (G>A on the coding strand, the complement: SYNE1 is on the minus strand). VCF-style: chr6-152224505-C-T. GRCh37 (hg19) VCF-style: chr6-152545640-C-T.
Other names: c.21298G>A, p.Asp7100Asn (NM_033071.5); short protein forms D7100N, D7171N.
Identifiers: ClinVar variation 662641 (VCV000662641.10), dbSNP rs1488536575, ClinGen allele CA366107228.
Genomic context (GRCh38, chr6:152,224,505, plus strand): 5'-TTTCTAAAATTAAAATGAACGTTAAGGATGTGTTAAATTAATTCCTTACCTGAAGATTGT[C>T]CACCTGAACTTGCACAGCTTCTAAGGAGCCAGTCAGCAGACGGAATCGGGAAAGAGAGTA-3'
Protein context (NP_892006.3, residues 7161-7181): GSLEAVQVQV[Asp7171Asn]NLQNLQDDLE